The following is an entry in ClinVar:

ClinVar aggregate classification (germline): Uncertain significance (1 of 4 stars; one submission).

Conditions:
Developmental and epileptic encephalopathy, 31A. Also called: Epileptic encephalopathy, early infantile, 31; Developmental and epileptic encephalopathy, 31. Identifiers: Orphanet 2382, MedGen C4225357, MONDO:0014598, OMIM 616346.

Submission:

Labcorp Genetics (formerly Invitae), Labcorp
Classification: Uncertain significance for Developmental and epileptic encephalopathy, 31A. Last evaluated: 2019-12-23. Review status: criteria provided, single submitter. Criteria: Invitae Variant Classification Sherloc (09022015). Collection method: clinical testing. Allele origin: germline.
Comment: Algorithms developed to predict the effect of missense changes on protein structure and function (SIFT, PolyPhen-2, Align-GVGD) all suggest that this variant is likely to be tolerated, but these predictions have not been confirmed by published functional studies and their clinical significance is uncertain. In summary, the available evidence is currently insufficient to determine the role of this variant in disease. Therefore, it has been classified as a Variant of Uncertain Significance. Nucleotide substitutions within the consensus splice site are a relatively common cause of aberrant splicing (PMID: 17576681, 9536098). Algorithms developed to predict the effect of sequence changes on RNA splicing suggest that this variant may create or strengthen a splice site, but this prediction has not been confirmed by published transcriptional studies. This variant has not been reported in the literature in individuals with DNM1-related conditions. The frequency data for this variant in the population databases is considered unreliable, as metrics indicate insufficient coverage at this position in the ExAC database. This sequence change replaces serine with asparagine at codon 845 of the DNM1 protein (p.Ser845Asn). The serine residue is weakly conserved and there is a small physicochemical difference between serine and asparagine. This variant also falls at the last nucleotide of exon 21 of the DNM1 coding sequence, which is part of the consensus splice site for this exon.

Literature cited by the submitters: PubMed 17576681; PubMed 9536098.

NM_004408.4(DNM1):c.2534G>A (p.Ser845Asn)

Gene: DNM1 (dynamin 1; plus strand). Cytogenetic location: 9q34.11.
Variant type: single nucleotide variant.
Coding change: c.2534G>A on transcript NM_004408.4 (MANE Select); coding-DNA position 2534, G replaced by A.
Protein change: p.Ser845Asn; replaces serine 845 with asparagine.
Molecular consequence: missense variant.
Genome position (GRCh38, 1-based): chr9:128,250,940, G>A. VCF-style: chr9-128250940-G-A. GRCh37 (hg19) VCF-style: chr9-131013219-G-A.
Other names: c.2534G>A, p.Arg845Lys (NM_001005336.3, NM_001288737.2, NM_001288738.2 and 1 more transcripts); c.2534G>A, p.Ser845Asn (NM_001288739.2); short protein forms S845N, R845K.
Identifiers: ClinVar variation 864233 (VCV000864233.13), dbSNP rs1829479381, ClinGen allele CA375002092.